The following is an entry in ClinVar:

NM_001128840.3(CACNA1D):c.5708G>A (p.Arg1903Gln)

Gene: CACNA1D (calcium voltage-gated channel subunit alpha1 D; plus strand). Cytogenetic location: 3p21.1.
Variant type: single nucleotide variant.
Coding change: c.5708G>A on transcript NM_001128840.3 (MANE Select); coding-DNA position 5708, G replaced by A.
Protein change: p.Arg1903Gln; replaces arginine 1903 with glutamine.
Molecular consequence: missense variant.
Genome position (GRCh38, 1-based): chr3:53,805,105, G>A. VCF-style: chr3-53805105-G-A. GRCh37 (hg19) VCF-style: chr3-53839132-G-A.
Other names: c.5768G>A (NM_000720.2); c.5768G>A, p.Arg1923Gln (NM_000720.4); c.5636G>A, p.Arg1879Gln (NM_001128839.3); short protein forms R1923Q, R1903Q, R1879Q.
Identifiers: ClinVar variation 596863 (VCV000596863.12), dbSNP rs373251538, ClinGen allele CA2455230.
Genomic context (GRCh38, chr3:53,805,105, plus strand): 5'-GCTACCATCATCCCCAAGGATTCTTGGAGGACGATGACTCGCCCGTTTGCTATGATTCAC[G>A]GAGATCTCCAAGGAGACGCCTACTACCTCCCACCCCAGCATGTGAGGCCAGATTTTTTGT-3'
Protein context (NP_001122312.1, residues 1893-1913): DDDSPVCYDS[Arg1903Gln]RSPRRRLLPP

ClinVar aggregate classification (germline): Uncertain significance. Review status: criteria provided, multiple submitters, no conflicts (2 of 4 stars). 4 submissions from 4 submitters: Uncertain significance (4). Last evaluated 2026-02-16.

Conditions:
Inborn genetic diseases. Identifiers: MedGen C0950123, MeSH D030342.

Allele frequency attached by ClinVar (database versions not stated): gnomAD 0.00002 and 0.00003; gnomAD exomes 0.00002 and 0.00003; TOPMed 0.00002; ExAC 0.00004; ESP Exome Variant Server 0.00008.
gnomAD v4.1: 51 of 1,613,904 alleles (0.0032%); highest among the groups gnomAD compares: South Asian, 0.016%; 1 homozygote.

Submissions (4):

Women's Health and Genetics/Laboratory Corporation of America, LabCorp
Classification: Uncertain significance. Last evaluated: 2026-02-16. Review status: criteria provided, single submitter. Criteria: LabCorp Variant Classification Summary - May 2015. Collection method: clinical testing. Allele origin: germline.
Comment: Variant summary: CACNA1D c.5768G>A (p.Arg1923Gln) results in a conservative amino acid change in the encoded protein sequence. Algorithms developed to predict the effect of missense changes on protein structure and function all suggest that this variant is likely to be tolerated. The variant allele was found at a frequency of 2.4e-05 in 251382 control chromosomes. The available data on variant occurrences in the general population are insufficient to allow any conclusion about variant significance. To our knowledge, no occurrence of c.5768G>A in individuals affected with CACNA1D-related conditions and no experimental evidence demonstrating its impact on protein function have been reported. ClinVar contains an entry for this variant (Variation ID: 596863). Based on the evidence outlined above, the variant was classified as uncertain significance.

Ambry Genetics
Classification: Uncertain significance for Inborn genetic diseases. Last evaluated: 2025-03-26. Review status: criteria provided, single submitter. Criteria: Ambry Variant Classification Scheme 2023. Collection method: clinical testing. Allele origin: germline.

Labcorp Genetics (formerly Invitae), Labcorp
Classification: Uncertain significance. Last evaluated: 2024-11-05. Review status: criteria provided, single submitter. Criteria: Invitae Variant Classification Sherloc (09022015). Collection method: clinical testing. Allele origin: germline.
Comment: This sequence change replaces arginine, which is basic and polar, with glutamine, which is neutral and polar, at codon 1923 of the CACNA1D protein (p.Arg1923Gln). This variant is present in population databases (rs373251538, gnomAD 0.01%). This variant has not been reported in the literature in individuals affected with CACNA1D-related conditions. ClinVar contains an entry for this variant (Variation ID: 596863). An algorithm developed to predict the effect of missense changes on protein structure and function outputs the following: PolyPhen-2: "Benign". The glutamine amino acid residue is found in multiple mammalian species, which suggests that this missense change does not adversely affect protein function. In summary, the available evidence is currently insufficient to determine the role of this variant in disease. Therefore, it has been classified as a Variant of Uncertain Significance.

Eurofins Ntd Llc (ga)
Classification: Uncertain significance. Last evaluated: 2018-04-11. Review status: criteria provided, single submitter. Criteria: EGL ClinVar v180209 classification definitions. Collection method: clinical testing. Allele origin: germline. Observed: 1 variant allele, 1 heterozygote.